The following is an entry in ClinVar:

NM_178857.6(RP1L1):c.4825C>T (p.Arg1609Cys)

Gene: RP1L1 (RP1 like 1). Cytogenetic location: 8p23.1.
Variant type: single nucleotide variant.
Coding change: c.4825C>T on transcript NM_178857.6 (MANE Select); coding-DNA position 4825, C replaced by T.
Protein change: p.Arg1609Cys; replaces arginine 1609 with cysteine.
Molecular consequence: missense variant.
Genome position (GRCh38, 1-based): chr8:10,609,273, G>A on the plus strand (C>T on the coding strand, the complement: RP1L1 is on the minus strand). VCF-style: chr8-10609273-G-A. GRCh37 (hg19) VCF-style: chr8-10466783-G-A.
Other names: c.4825C>T (NM_178857.5); short protein forms R1609C.
Identifiers: ClinVar variation 3027979 (VCV003027979.4), dbSNP rs374793969, ClinGen allele CA4623875.
Genomic context (GRCh38, chr8:10,609,273, plus strand): 5'-GGGGCCCCAGGCCCAGGGTCCGCTCAGAGAAGGCCGAGAGGTTTCGCAGGCCCCGGAGAC[G>A]GTGTCTGCGCTGCTGGGTCTGCAGGAGCAGCTCCCCGGTGAGGGCCTCCCTTGGAGGCTC-3'
Protein context (NP_849188.4, residues 1599-1619): LLLQTQQRRH[Arg1609Cys]LRGLRNLSAF

ClinVar aggregate classification (germline): Uncertain significance. Review status: criteria provided, multiple submitters, no conflicts (2 of 4 stars). 4 submissions from 4 submitters: Uncertain significance (4). Last evaluated 2025-10-06.

Conditions:
Retinal dystrophy. Also called: Inherited retinal dystrophy. Identifiers: Orphanet 71862, MedGen C0854723, MeSH D058499, MONDO:0019118, HP:0000556.
RP1L1-related disorder. Also called: RP1L1-related condition.
Inborn genetic diseases. Identifiers: MedGen C0950123, MeSH D030342.

Allele frequency attached by ClinVar (database versions not stated): gnomAD 0.00004; ESP Exome Variant Server 0.00008; TOPMed 0.00010; ExAC 0.00016.
gnomAD v4.1: 255 of 1,609,540 alleles (0.016%); highest among the groups gnomAD compares: Middle Eastern, 0.033%; no homozygotes.

Submissions (4):

PreventionGenetics, part of Exact Sciences
Classification: Uncertain significance for RP1L1-related condition. Last evaluated: 2025-10-06. Review status: criteria provided, single submitter. Criteria: ACMG Guidelines, 2015. Collection method: clinical testing. Allele origin: germline.
Comment: The RP1L1 c.4825C>T variant is predicted to result in the amino acid substitution p.Arg1609Cys. To our knowledge, this variant has not been reported in the literature. This variant is reported in 0.019% of alleles in individuals of European (Non-Finnish) descent in gnomAD. At this time, the clinical significance of this variant is uncertain due to the absence of conclusive functional and genetic evidence.

Blueprint Genetics
Classification: Uncertain significance. Last evaluated: 2024-09-10. Review status: criteria provided, single submitter. Criteria: ACMG Guidelines, 2015. Collection method: clinical testing. Allele origin: germline.

Ambry Genetics
Classification: Uncertain significance for Inborn genetic diseases. Last evaluated: 2024-09-04. Review status: criteria provided, single submitter. Criteria: Ambry Variant Classification Scheme 2023. Collection method: clinical testing. Allele origin: germline.

Dept Of Ophthalmology, Nagoya University
Classification: Uncertain significance for Retinal dystrophy. Last evaluated: 2023-10-01. Review status: criteria provided, single submitter. Criteria: Submitter's publication. Collection method: research. Allele origin: germline. Affected: yes.